The following is an entry in ClinVar:

NM_006904.7(PRKDC):c.151C>G (p.Leu51Val)

Genes: PRKDC (protein kinase, DNA-activated, catalytic subunit; minus strand), LOC130000337 (ATAC-STARR-seq lymphoblastoid silent region 19176; plus strand). Cytogenetic location: 8q11.21.
Variant type: single nucleotide variant.
Coding change: c.151C>G on transcript NM_006904.7 (MANE Select); coding-DNA position 151, C replaced by G.
Protein change: p.Leu51Val; replaces leucine 51 with valine.
Molecular consequence: missense variant.
Genome position (GRCh38, 1-based): chr8:47,959,976, G>C on the plus strand (C>G on the coding strand, the complement: PRKDC is on the minus strand). VCF-style: chr8-47959976-G-C. GRCh37 (hg19) VCF-style: chr8-48872536-G-C.
Other names: c.151C>G, p.Leu51Val (NM_001081640.2); short protein forms L51V.
Identifiers: ClinVar variation 1774390 (VCV001774390.2), dbSNP rs2551882709, ClinGen allele CA371142577.

ClinVar aggregate classification (germline): Uncertain significance (1 of 4 stars; one submission).

gnomAD v4.1: 1 of 1,496,696 alleles (0.000067%); highest among the groups gnomAD compares: Non-Finnish European, 0.000089%; no homozygotes.

Submission:

Ambry Genetics
Classification: Uncertain significance. Last evaluated: 2021-12-22. Review status: criteria provided, single submitter. Criteria: Ambry Variant Classification Scheme 2023. Collection method: clinical testing. Allele origin: germline.
Comment: The p.L51V variant (also known as c.151C>G), located in coding exon 1 of the PRKDC gene, results from a C to G substitution at nucleotide position 151. The leucine at codon 51 is replaced by valine, an amino acid with highly similar properties. This amino acid position is conserved. In addition, this alteration is predicted to be tolerated by in silico analysis. Since supporting evidence is limited at this time, the clinical significance of this alteration remains unclear.